The following is an entry in ClinVar:

NM_024857.5(ATAD5):c.4926T>G (p.Val1642=)

Gene: ATAD5 (ATPase family AAA domain containing 5; plus strand). Cytogenetic location: 17q11.2.
Variant type: single nucleotide variant.
Coding change: c.4926T>G on transcript NM_024857.5 (MANE Select); coding-DNA position 4926, T replaced by G.
Protein change: p.Val1642=; no amino-acid change (valine 1642 retained).
Molecular consequence: synonymous variant.
Genome position (GRCh38, 1-based): chr17:30,893,779, T>G. VCF-style: chr17-30893779-T-G. GRCh37 (hg19) VCF-style: chr17-29220797-T-G.
Identifiers: ClinVar variation 713164 (VCV000713164.5), dbSNP rs80059969, ClinGen allele CA8484377.

ClinVar aggregate classification (germline): Benign. Review status: criteria provided, single submitter (1 of 4 stars). 2 submissions from 2 submitters: Benign (1). 1 of the submissions does not count toward it. Last evaluated 2018-09-10.

Conditions:
ATAD5-related disorder. Also called: ATAD5-related condition.

Allele frequency attached by ClinVar (database versions not stated): ESP Exome Variant Server 0.00015; gnomAD exomes 0.00133; gnomAD 0.00134; TOPMed 0.00264; 1000 Genomes Project 30x 0.00765; 1000 Genomes Project 0.00799.
gnomAD v4.1: 2,273 of 1,614,112 alleles (0.14%); highest among the groups gnomAD compares: East Asian, 4.3%; 53 homozygotes.

Submissions (2):

Labcorp Genetics (formerly Invitae), Labcorp
Classification: Benign. Last evaluated: 2018-09-10. Review status: criteria provided, single submitter. Criteria: Invitae Variant Classification Sherloc (09022015). Collection method: clinical testing. Allele origin: germline.

PreventionGenetics, part of Exact Sciences
Classification: Benign for ATAD5-related condition. Last evaluated: 2019-03-28. Review status: no assertion criteria provided. Collection method: clinical testing. Allele origin: germline. Not counted in ClinVar's aggregate classification.
Comment: This variant is classified as benign based on ACMG/AMP sequence variant interpretation guidelines (Richards et al. 2015 PMID: 25741868, with internal and published modifications).